The following is an entry in ClinVar:

NM_014413.4(EIF2AK1):c.446T>C (p.Ile149Thr)

Gene: EIF2AK1 (eukaryotic translation initiation factor 2 alpha kinase 1; minus strand). Cytogenetic location: 7p22.1.
Variant type: single nucleotide variant.
Coding change: c.446T>C on transcript NM_014413.4 (MANE Select); coding-DNA position 446, T replaced by C.
Protein change: p.Ile149Thr; replaces isoleucine 149 with threonine.
Molecular consequence: missense variant.
Genome position (GRCh38, 1-based): chr7:6,048,810, A>G on the plus strand (T>C on the coding strand, the complement: EIF2AK1 is on the minus strand). VCF-style: chr7-6048810-A-G. GRCh37 (hg19) VCF-style: chr7-6088441-A-G.
Other names: c.446T>C, p.Ile149Thr (NM_001134335.2); c.446T>C (NM_014413.3); short protein forms I149T.
Identifiers: ClinVar variation 2122842 (VCV002122842.5), dbSNP rs1162529132, ClinGen allele CA366756939.

ClinVar aggregate classification (germline): Uncertain significance. Review status: criteria provided, multiple submitters, no conflicts (2 of 4 stars). 2 submissions from 2 submitters: Uncertain significance (2). Last evaluated 2025-09-11.

Allele frequency attached by ClinVar (database versions not stated): TOPMed below 0.00001; gnomAD exomes 0.00001.
gnomAD v4.1: 9 of 1,585,860 alleles (0.00057%); highest among the groups gnomAD compares: Non-Finnish European, 0.00068%; no homozygotes.

Submissions (2):

Ambry Genetics
Classification: Uncertain significance. Last evaluated: 2025-09-11. Review status: criteria provided, single submitter. Criteria: Ambry Variant Classification Scheme 2023. Collection method: clinical testing. Allele origin: germline.

Labcorp Genetics (formerly Invitae), Labcorp
Classification: Uncertain significance. Last evaluated: 2022-04-08. Review status: criteria provided, single submitter. Criteria: Invitae Variant Classification Sherloc (09022015). Collection method: clinical testing. Allele origin: germline.
Comment: This variant has not been reported in the literature in individuals affected with EIF2AK1-related conditions. This sequence change replaces isoleucine, which is neutral and non-polar, with threonine, which is neutral and polar, at codon 149 of the EIF2AK1 protein (p.Ile149Thr). This variant is not present in population databases (gnomAD no frequency). Algorithms developed to predict the effect of missense changes on protein structure and function output the following: SIFT: "Tolerated"; PolyPhen-2: "Benign"; Align-GVGD: "Class C0". The threonine amino acid residue is found in multiple mammalian species, which suggests that this missense change does not adversely affect protein function. In summary, the available evidence is currently insufficient to determine the role of this variant in disease. Therefore, it has been classified as a Variant of Uncertain Significance.